The following is an entry in ClinVar:

NM_000062.3(SERPING1):c.1188_1189delinsC (p.Thr397fs)

Gene: SERPING1 (serpin family G member 1; plus strand). Cytogenetic location: 11q12.1.
Variant type: Indel.
Coding change: c.1188_1189delinsC on transcript NM_000062.3 (MANE Select); coding-DNA positions 1188 to 1189, AA replaced by C.
Protein change: p.Thr397fs; shifts the reading frame from threonine 397.
Molecular consequence: frameshift variant.
Genome position (GRCh38, 1-based): chr11:57,611,875-57,611,876, AA replaced by C. VCF-style: chr11-57611875-AA-C. GRCh37 (hg19) VCF-style: chr11-57379348-AA-C.
Other names: c.1188_1189delinsC, p.Thr397fs (NM_001032295.2); short protein forms T397fs.
Identifiers: ClinVar variation 3251998 (VCV003251998.2), dbSNP rs2495452721.

ClinVar aggregate classification (germline): Pathogenic (1 of 4 stars; one submission).

Conditions:
Hereditary angioedema type 1 (HAE1). Identifiers: Orphanet 100050, Orphanet 100051, Orphanet 91378, MedGen C2717906, MONDO:0015053, OMIM 106100.

Submission:

DNA-diagnostics Laboratory, Research Centre For Medical Genetics
Classification: Pathogenic for Hereditary angioedema type 1. Last evaluated: 2024-07-06. Review status: criteria provided, single submitter. Criteria: ACMG Guidelines, 2015. Collection method: research. Allele origin: germline. Inheritance: Autosomal dominant inheritance. Affected: yes. Observed: 1 heterozygote.
Comment: The c.1188_1189delinsC variant in SERPING1 meets ACMG/ClinGen SVI guidance criteria to be classified as pathogenic: PVS1_Str, PP4_Str, PM2_Sup